The following is an entry in ClinVar:

NM_004369.4(COL6A3):c.7170T>G (p.Cys2390Trp)

Gene: COL6A3 (collagen type VI alpha 3 chain; minus strand). Cytogenetic location: 2q37.3.
Variant type: single nucleotide variant.
Coding change: c.7170T>G on transcript NM_004369.4 (MANE Select); coding-DNA position 7170, T replaced by G.
Protein change: p.Cys2390Trp; replaces cysteine 2390 with tryptophan.
Molecular consequence: missense variant.
Genome position (GRCh38, 1-based): chr2:237,344,945, A>C on the plus strand (T>G on the coding strand, the complement: COL6A3 is on the minus strand). VCF-style: chr2-237344945-A-C. GRCh37 (hg19) VCF-style: chr2-238253588-A-C.
Other names: c.5349T>G, p.Cys1783Trp (NM_057166.5); c.6552T>G, p.Cys2184Trp (NM_057167.4); short protein forms C2390W, C2184W, C1783W.
Identifiers: ClinVar variation 5009948 (VCV005009948.1).
Genomic context (GRCh38, chr2:237,344,945, plus strand): 5'-TTACTACAAAAGGGAGGCTTCCTTTCCTTAGGAGAAAGTCACCAAAATCAACTTACCGTA[A>C]CAGCAAGCTAGAAAAGAAGCAAAGAGAAGAAAGGGTGAGAGACTACTCTACCATGTGAGA-3'
Protein context (NP_004360.2, residues 2380-2400): IQSIKDKCPC[Cys2390Trp]YGPLECPVFP

ClinVar aggregate classification (germline): Uncertain significance (1 of 4 stars; one submission).

Submission:

GeneDx
Classification: Uncertain significance. Last evaluated: 2026-02-28. Review status: criteria provided, single submitter. Criteria: GeneDx Variant Classification Process June 2021. Collection method: clinical testing. Allele origin: germline.
Comment: Not observed at significant frequency in large population cohorts (gnomAD); In silico analysis supports that this missense variant has a deleterious effect on protein structure/function; Has not been previously published as pathogenic or benign to our knowledge